The following is an entry in ClinVar:

ClinVar aggregate classification (germline): Pathogenic (1 of 4 stars; one submission).

Conditions:
Hereditary cancer-predisposing syndrome. Also called: Hereditary Cancer Syndrome; Hereditary neoplastic syndrome; Neoplastic Syndromes, Hereditary; Tumor predisposition. Identifiers: Orphanet 140162, MedGen C0027672, MeSH D009386, MONDO:0015356.

Submission:

Ambry Genetics
Classification: Pathogenic for Hereditary cancer-predisposing syndrome. Last evaluated: 2017-07-18. Review status: criteria provided, single submitter. Criteria: Ambry Variant Classification Scheme 2023. Collection method: clinical testing. Allele origin: germline.
Comment: The p.K205* pathogenic mutation (also known as c.613A>T), located in coding exon 4 of the PTCH1 gene, results from an A to T substitution at nucleotide position 613. This changes the amino acid from a lysine to a stop codon within coding exon 4. This alteration is expected to result in loss of function by premature protein truncation or nonsense-mediated mRNA decay. As such, this alteration is interpreted as a disease-causing mutation.

NM_000264.5(PTCH1):c.613A>T (p.Lys205Ter)

Gene: PTCH1 (patched 1; minus strand). Cytogenetic location: 9q22.32.
Variant type: single nucleotide variant.
Coding change: c.613A>T on transcript NM_000264.5 (MANE Select); coding-DNA position 613, A replaced by T.
Protein change: p.Lys205Ter; replaces lysine 205 with a stop codon.
Molecular consequence: nonsense. On other transcripts: non-coding transcript variant (1).
Genome position (GRCh38, 1-based): chr9:95,482,175, T>A on the plus strand (A>T on the coding strand, the complement: PTCH1 is on the minus strand). VCF-style: chr9-95482175-T-A. GRCh37 (hg19) VCF-style: chr9-98244457-T-A.
Other names: c.415A>T, p.Lys139Ter (NM_001083602.3, NM_001354919.2); c.610A>T, p.Lys204Ter (NM_001083603.3); c.160A>T, p.Lys54Ter (NM_001083604.3, NM_001083605.3, NM_001083606.3 and 1 more transcripts); c.613A>T, p.Lys205Ter (NM_001354918.2); short protein forms K139*, K204*, K54*, K205*.
Identifiers: ClinVar variation 1751818 (VCV001751818.2), dbSNP rs1554700724, ClinGen allele CA374115099.
Genomic context (GRCh38, chr9:95,482,175, plus strand): 5'-CAACAAGAAGAAAATATACCTGATCCATGTAACCTGTTTCTGTGATAAGCTCTCCTGATT[T>A]GTAACACAAATGTTCCAATTTCCACTGCCTAATAAAATGAAAAGCAGAGACAAAAATTTC-3'